The following is an entry in ClinVar:

ClinVar aggregate classification (germline): Likely benign (1 of 4 stars; one submission).

gnomAD v4.1: 1,729 of 1,614,146 alleles (0.11%); highest among the groups gnomAD compares: Middle Eastern, 0.54%; 6 homozygotes.

Submission:

CeGaT Center for Human Genetics Tuebingen
Classification: Likely benign. Last evaluated: 2024-07-01. Review status: criteria provided, single submitter. Criteria: CeGaT Center For Human Genetics Tuebingen Variant Classification Criteria Version 2. Collection method: clinical testing. Allele origin: germline. Affected: yes. Observed: 1 variant allele.
Comment: POTEE: BP4, BS2

NM_001083538.3(POTEE):c.2412G>A (p.Leu804=)

Gene: POTEE (POTE ankyrin domain family member E; plus strand). Cytogenetic location: 2q21.1.
Variant type: single nucleotide variant.
Coding change: c.2412G>A on transcript NM_001083538.3 (MANE Select); coding-DNA position 2412, G replaced by A.
Protein change: p.Leu804=; no amino-acid change (leucine 804 retained).
Molecular consequence: synonymous variant.
Genome position (GRCh38, 1-based): chr2:131,263,867, G>A. VCF-style: chr2-131263867-G-A. GRCh37 (hg19) VCF-style: chr2-132021440-G-A.
Identifiers: ClinVar variation 3257622 (VCV003257622.17).